The following is an entry in ClinVar:

ClinVar aggregate classification (germline): Uncertain significance (1 of 4 stars; one submission).

Conditions:
Inborn genetic diseases. Identifiers: MedGen C0950123, MeSH D030342.

Allele frequency attached by ClinVar (database versions not stated): gnomAD exomes below 0.00001.
gnomAD v4.1: 3 of 1,613,722 alleles (0.00019%); highest among the groups gnomAD compares: East Asian, 0.0067%; no homozygotes.

Submission:

Ambry Genetics
Classification: Uncertain significance for Inborn genetic diseases. Last evaluated: 2023-11-10. Review status: criteria provided, single submitter. Criteria: Ambry Variant Classification Scheme 2023. Collection method: clinical testing. Allele origin: germline.
Comment: The p.M512T variant (also known as c.1535T>C), located in coding exon 6 of the ATR gene, results from a T to C substitution at nucleotide position 1535. The methionine at codon 512 is replaced by threonine, an amino acid with similar properties. This amino acid position is conserved. In addition, this alteration is predicted to be tolerated by in silico analysis. Since supporting evidence is limited at this time, the clinical significance of this alteration remains unclear.

NM_001184.4(ATR):c.1535T>C (p.Met512Thr)

Gene: ATR (ATR checkpoint kinase; minus strand). Cytogenetic location: 3q23.
Variant type: single nucleotide variant.
Coding change: c.1535T>C on transcript NM_001184.4 (MANE Select); coding-DNA position 1535, T replaced by C.
Protein change: p.Met512Thr; replaces methionine 512 with threonine.
Molecular consequence: missense variant. On other transcripts: intron variant (1).
Genome position (GRCh38, 1-based): chr3:142,560,269, A>G on the plus strand (T>C on the coding strand, the complement: ATR is on the minus strand). VCF-style: chr3-142560269-A-G. GRCh37 (hg19) VCF-style: chr3-142279111-A-G.
Other names: c.1350-828T>C (NM_001354579.2); short protein forms M512T.
Identifiers: ClinVar variation 3221053 (VCV003221053.1), dbSNP rs757913774, ClinGen allele CA354822547.